The following is an entry in ClinVar:

ClinVar aggregate classification (germline): Likely benign (1 of 4 stars; one submission).

gnomAD v4.1: 215 of 1,613,940 alleles (0.013%); highest among the groups gnomAD compares: Middle Eastern, 0.017%; no homozygotes.

Submission:

CeGaT Center for Human Genetics Tuebingen
Classification: Likely benign. Last evaluated: 2025-06-01. Review status: criteria provided, single submitter. Criteria: CeGaT Center For Human Genetics Tuebingen Variant Classification Criteria Version 2. Collection method: clinical testing. Allele origin: germline. Affected: yes. Observed: 1 variant allele.
Comment: UBR4: BP4, BP7

NM_020765.3(UBR4):c.6198G>A (p.Ser2066=)

Gene: UBR4 (ubiquitin protein ligase E3 component n-recognin 4; minus strand). Cytogenetic location: 1p36.13.
Variant type: single nucleotide variant.
Coding change: c.6198G>A on transcript NM_020765.3 (MANE Select); coding-DNA position 6198, G replaced by A.
Protein change: p.Ser2066=; no amino-acid change (serine 2066 retained).
Molecular consequence: synonymous variant.
Genome position (GRCh38, 1-based): chr1:19,155,543, C>T on the plus strand (G>A on the coding strand, the complement: UBR4 is on the minus strand). VCF-style: chr1-19155543-C-T. GRCh37 (hg19) VCF-style: chr1-19482037-C-T.
Identifiers: ClinVar variation 3905457 (VCV003905457.10).
Genomic context (GRCh38, chr1:19,155,543, plus strand): 5'-GAAGGGTCCCTGCTGGGCACTGCTGGCCTCTTCCATAAGCTGAGTATAGATGTACCCAGC[C>T]GAAGACATTATAACAATGATGTTCTTTCCCTCCTCATTGAAAAGGAAGGTAACATCTCTT-3'
Protein context (NP_065816.2, residues 2056-2076): EGKNIIVIMS[Ser2066=]AGYIYTQLME